The following is an entry in ClinVar:

NM_001365951.3(KIF1B):c.2668G>C (p.Val890Leu)

Gene: KIF1B (kinesin family member 1B; plus strand). Cytogenetic location: 1p36.22.
Variant type: single nucleotide variant.
Coding change: c.2668G>C on transcript NM_001365951.3 (MANE Select); coding-DNA position 2668, G replaced by C.
Protein change: p.Val890Leu; replaces valine 890 with leucine.
Molecular consequence: missense variant.
Genome position (GRCh38, 1-based): chr1:10,324,888, G>C. VCF-style: chr1-10324888-G-C. GRCh37 (hg19) VCF-style: chr1-10384946-G-C.
Other names: c.2668G>C, p.Val890Leu (NM_001365952.1); c.2530G>C, p.Val844Leu (NM_015074.3); short protein forms V844L, V890L.
Identifiers: ClinVar variation 2624408 (VCV002624408.2), dbSNP rs1651670553, ClinGen allele CA338335840.

ClinVar aggregate classification (germline): Uncertain significance (1 of 4 stars; one submission).

Allele frequency attached by ClinVar (database versions not stated): gnomAD exomes below 0.00001.
gnomAD v4.1: 1 of 1,614,098 alleles (0.000062%); highest among the groups gnomAD compares: Non-Finnish European, 0.000085%; no homozygotes.

Submission:

Ambry Genetics
Classification: Uncertain significance. Last evaluated: 2023-07-29. Review status: criteria provided, single submitter. Criteria: Ambry Variant Classification Scheme 2023. Collection method: clinical testing. Allele origin: germline.
Comment: The p.V844L variant (also known as c.2530G>C), located in coding exon 23 of the KIF1B gene, results from a G to C substitution at nucleotide position 2530. The valine at codon 844 is replaced by leucine, an amino acid with highly similar properties. This amino acid position is conserved. In addition, this alteration is predicted to be deleterious by in silico analysis. Since supporting evidence is limited at this time, the clinical significance of this alteration remains unclear.